The following is an entry in ClinVar:

ClinVar aggregate classification (germline): Likely benign (0 of 4 stars; one submission).

Conditions:
NDUFV3-related disorder. Also called: NDUFV3-related condition.

Allele frequency attached by ClinVar (database versions not stated): ExAC 0.00017; ESP Exome Variant Server 0.00062; 1000 Genomes Project 0.00140; 1000 Genomes Project 30x 0.00141.
gnomAD v4.1: 218 of 1,613,388 alleles (0.014%); highest among the groups gnomAD compares: African/African-American, 0.25%; no homozygotes.

Submission:

PreventionGenetics, part of Exact Sciences
Classification: Likely benign for NDUFV3-related condition. Last evaluated: 2020-01-28. Review status: no assertion criteria provided. Collection method: clinical testing. Allele origin: germline.
Comment: This variant is classified as likely benign based on ACMG/AMP sequence variant interpretation guidelines (Richards et al. 2015 PMID: 25741868, with internal and published modifications).

NM_021075.4(NDUFV3):c.1209G>A (p.Glu403=)

Gene: NDUFV3 (NADH:ubiquinone oxidoreductase subunit V3; plus strand). Cytogenetic location: 21q22.3.
Variant type: single nucleotide variant.
Coding change: c.1209G>A on transcript NM_021075.4 (MANE Select); coding-DNA position 1209, G replaced by A.
Protein change: p.Glu403=; no amino-acid change (glutamic acid 403 retained).
Molecular consequence: synonymous variant. On other transcripts: intron variant (1).
Genome position (GRCh38, 1-based): chr21:42,904,221, G>A. VCF-style: chr21-42904221-G-A. GRCh37 (hg19) VCF-style: chr21-44324331-G-A.
Other names: c.170-4643G>A (NM_001001503.2).
Identifiers: ClinVar variation 3051083 (VCV003051083.2), dbSNP rs138935658, ClinGen allele CA10046651.